The following is an entry in ClinVar:

ClinVar aggregate classification (germline): Likely benign. Review status: criteria provided, multiple submitters, no conflicts (2 of 4 stars). 2 submissions from 2 submitters: Likely benign (2). Last evaluated 2025-03-01.

Conditions:
GARS1-related disorder. Also called: GARS1-related condition.
Charcot-Marie-Tooth disease type 2. Also called: Charcot-Marie-Tooth type 2. Identifiers: Orphanet 64746, MedGen C0270914, MONDO:0018993.

Submissions (2):

PreventionGenetics, part of Exact Sciences
Classification: Likely benign for GARS1-related condition. Last evaluated: 2025-03-01. Review status: criteria provided, single submitter. Criteria: ACMG Guidelines, 2015. Collection method: clinical testing. Allele origin: germline.
Comment: This variant is classified as likely benign based on ACMG/AMP sequence variant interpretation guidelines (Richards et al. 2015 PMID: 25741868, with internal and published modifications).

Labcorp Genetics (formerly Invitae), Labcorp
Classification: Likely benign for Charcot-Marie-Tooth disease type 2. Last evaluated: 2022-11-11. Review status: criteria provided, single submitter. Criteria: Invitae Variant Classification Sherloc (09022015). Collection method: clinical testing. Allele origin: germline.

NM_002047.4(GARS1):c.325-9C>A

Gene: GARS1 (glycyl-tRNA synthetase 1; plus strand). Cytogenetic location: 7p14.3.
Variant type: single nucleotide variant.
Coding change: c.325-9C>A on transcript NM_002047.4 (MANE Select); 9 bases into the intron before coding-DNA position 325, C replaced by A.
Molecular consequence: intron variant.
Genome position (GRCh38, 1-based): chr7:30,599,938, C>A. VCF-style: chr7-30599938-C-A. GRCh37 (hg19) VCF-style: chr7-30639554-C-A.
Other names: c.163-9C>A (NM_001316772.1); c.325-9C>A (NM_002047.3).
Identifiers: ClinVar variation 736040 (VCV000736040.9), dbSNP rs770645408, ClinGen allele CA915944902.